The following is an entry in ClinVar:

ClinVar aggregate classification (germline): Uncertain significance (1 of 4 stars; one submission).

Conditions:
Long QT syndrome (LQTS). Identifiers: MedGen C0023976, MeSH D008133, MONDO:0002442. Disease mechanism: loss of function. Inheritance: Various modes of inheritance.

Submission:

Labcorp Genetics (formerly Invitae), Labcorp
Classification: Uncertain significance for Long QT syndrome. Last evaluated: 2022-10-10. Review status: criteria provided, single submitter. Criteria: Invitae Variant Classification Sherloc (09022015). Collection method: clinical testing. Allele origin: germline.
Comment: In summary, the available evidence is currently insufficient to determine the role of this variant in disease. Therefore, it has been classified as a Variant of Uncertain Significance. Algorithms developed to predict the effect of missense changes on protein structure and function are either unavailable or do not agree on the potential impact of this missense change (SIFT: "Deleterious"; PolyPhen-2: "Probably Damaging"; Align-GVGD: "Class C0"). ClinVar contains an entry for this variant (Variation ID: 940257). This variant has not been reported in the literature in individuals affected with KCNH2-related conditions. This variant is not present in population databases (gnomAD no frequency). This sequence change replaces phenylalanine, which is neutral and non-polar, with cysteine, which is neutral and slightly polar, at codon 68 of the KCNH2 protein (p.Phe68Cys).

NM_000238.4(KCNH2):c.203T>G (p.Phe68Cys)

Gene: KCNH2 (potassium voltage-gated channel subfamily H member 2; minus strand). Cytogenetic location: 7q36.1.
Variant type: single nucleotide variant.
Coding change: c.203T>G on transcript NM_000238.4 (MANE Select); coding-DNA position 203, T replaced by G.
Protein change: p.Phe68Cys; replaces phenylalanine 68 with cysteine.
Molecular consequence: missense variant.
Genome position (GRCh38, 1-based): chr7:150,974,815, A>C on the plus strand (T>G on the coding strand, the complement: KCNH2 is on the minus strand). VCF-style: chr7-150974815-A-C. GRCh37 (hg19) VCF-style: chr7-150671903-A-C.
Other names: c.26T>G, p.Phe9Cys (NM_001406755.1); c.203T>G, p.Phe68Cys (NM_172056.3); short protein forms F68C, F9C.
Identifiers: ClinVar variation 940257 (VCV000940257.10), dbSNP rs1801935420, ClinGen allele CA369865625.